The following is an entry in ClinVar:

ClinVar aggregate classification (germline): Uncertain significance. Review status: criteria provided, multiple submitters, no conflicts (2 of 4 stars). 3 submissions from 3 submitters: Uncertain significance (3). Last evaluated 2024-01-20.

Conditions:
Branchiootorenal syndrome 2 (BOR2). Identifiers: Orphanet 107, MedGen C1970479, MONDO:0012575, OMIM 610896.

Allele frequency attached by ClinVar (database versions not stated): ExAC 0.00002; gnomAD 0.00003; gnomAD exomes 0.00004; TOPMed 0.00004.

Submissions (3):

Fulgent Genetics
Classification: Uncertain significance for Branchiootorenal syndrome 2. Last evaluated: 2024-01-20. Review status: criteria provided, single submitter. Criteria: ACMG Guidelines, 2015. Collection method: clinical testing. Allele origin: germline.

Labcorp Genetics (formerly Invitae), Labcorp
Classification: Uncertain significance. Last evaluated: 2023-05-15. Review status: criteria provided, single submitter. Criteria: Invitae Variant Classification Sherloc (09022015). Collection method: clinical testing. Allele origin: germline.
Comment: This sequence change replaces alanine, which is neutral and non-polar, with serine, which is neutral and polar, at codon 649 of the SIX5 protein (p.Ala649Ser). This variant is present in population databases (rs781021151, gnomAD 0.004%). This variant has not been reported in the literature in individuals affected with SIX5-related conditions. ClinVar contains an entry for this variant (Variation ID: 2495502). Advanced modeling of protein sequence and biophysical properties (such as structural, functional, and spatial information, amino acid conservation, physicochemical variation, residue mobility, and thermodynamic stability) performed at Invitae indicates that this missense variant is not expected to disrupt SIX5 protein function. In summary, the available evidence is currently insufficient to determine the role of this variant in disease. Therefore, it has been classified as a Variant of Uncertain Significance.

Ambry Genetics
Classification: Uncertain significance. Last evaluated: 2023-03-13. Review status: criteria provided, single submitter. Criteria: Ambry Variant Classification Scheme 2023. Collection method: clinical testing. Allele origin: germline.

NM_175875.5(SIX5):c.1945G>T (p.Ala649Ser)

Gene: SIX5 (SIX homeobox 5; minus strand). Cytogenetic location: 19q13.32.
Variant type: single nucleotide variant.
Coding change: c.1945G>T on transcript NM_175875.5 (MANE Select); coding-DNA position 1945, G replaced by T.
Protein change: p.Ala649Ser; replaces alanine 649 with serine.
Molecular consequence: missense variant.
Genome position (GRCh38, 1-based): chr19:45,765,776, C>A on the plus strand (G>T on the coding strand, the complement: SIX5 is on the minus strand). VCF-style: chr19-45765776-C-A. GRCh37 (hg19) VCF-style: chr19-46269034-C-A.
Other names: short protein forms A649S.
Identifiers: ClinVar variation 2495502 (VCV002495502.6), dbSNP rs781021151, ClinGen allele CA9520467.